The following is an entry in ClinVar:

ClinVar aggregate classification (germline): Pathogenic (1 of 4 stars; one submission).

Conditions:
Usher syndrome type 2A. Also called: RETINAL DISEASE IN USHER SYNDROME TYPE IIA, MODIFIER OF; USHER SYNDROME, TYPE IIA. Identifiers: Orphanet 231178, Orphanet 886, MedGen C1848634, MONDO:0010169, OMIM 276901.

Submission:

MVZ Medizinische Genetik Mainz
Classification: Pathogenic for Usher syndrome type 2A. Last evaluated: 2022-07-18. Review status: criteria provided, single submitter. Criteria: UK Practice Guidelines For Variant Classification V4 01 2020. Collection method: clinical testing. Allele origin: germline. Inheritance: Autosomal recessive inheritance. Affected: yes. Observed: 1 variant allele.
Comment: ACMG Criteria: PVS1, PM3_STR, PM2_SUP, PP4 (ACMG Version 4)

NM_206933.4(USH2A):c.14134-1G>T

Gene: USH2A (usherin; minus strand). Cytogenetic location: 1q41.
Variant type: single nucleotide variant.
Coding change: c.14134-1G>T on transcript NM_206933.4 (MANE Select); the canonical splice acceptor site of the intron before coding-DNA position 14134, G replaced by T.
Molecular consequence: splice acceptor variant.
Genome position (GRCh38, 1-based): chr1:215,650,802, C>A on the plus strand (G>T on the coding strand, the complement: USH2A is on the minus strand). VCF-style: chr1-215650802-C-A. GRCh37 (hg19) VCF-style: chr1-215824144-C-A.
Identifiers: ClinVar variation 3066318 (VCV003066318.1), dbSNP rs2464821346, ClinGen allele CA344836069.